The following is an entry in ClinVar:

ClinVar aggregate classification (germline): Uncertain significance. Review status: criteria provided, multiple submitters, no conflicts (2 of 4 stars). 2 submissions from 2 submitters: Uncertain significance (2). Last evaluated 2022-07-02.

Conditions:
Primary ciliary dyskinesia. Also called: Ciliary dyskinesia. Identifiers: Orphanet 244, MedGen C0008780, MONDO:0016575, HP:0012265.

Submissions (2):

Labcorp Genetics (formerly Invitae), Labcorp
Classification: Uncertain significance for Primary ciliary dyskinesia. Last evaluated: 2022-07-02. Review status: criteria provided, single submitter. Criteria: Invitae Variant Classification Sherloc (09022015). Collection method: clinical testing. Allele origin: germline.
Comment: In summary, the available evidence is currently insufficient to determine the role of this variant in disease. Therefore, it has been classified as a Variant of Uncertain Significance. Algorithms developed to predict the effect of missense changes on protein structure and function are either unavailable or do not agree on the potential impact of this missense change (SIFT: "Deleterious"; PolyPhen-2: "Possibly Damaging"; Align-GVGD: "Class C0"). ClinVar contains an entry for this variant (Variation ID: 1685076). This variant has not been reported in the literature in individuals affected with RPGR-related conditions. This variant is not present in population databases (gnomAD no frequency). This sequence change replaces aspartic acid, which is acidic and polar, with glutamic acid, which is acidic and polar, at codon 123 of the RPGR protein (p.Asp123Glu).

Mendelics
Classification: Uncertain significance. Last evaluated: 2022-05-04. Review status: criteria provided, single submitter. Criteria: Mendelics Assertion Criteria 2019. Collection method: clinical testing. Allele origin: germline.

NM_001034853.2(RPGR):c.369C>G (p.Asp123Glu)

Gene: RPGR (retinitis pigmentosa GTPase regulator; minus strand). Cytogenetic location: Xp11.4.
Variant type: single nucleotide variant.
Coding change: c.369C>G on transcript NM_001034853.2 (MANE Select); coding-DNA position 369, C replaced by G.
Protein change: p.Asp123Glu; replaces aspartic acid 123 with glutamic acid.
Molecular consequence: missense variant. On other transcripts: non-coding transcript variant (6).
Genome position (GRCh38, 1-based): chrX:38,318,929, G>C on the plus strand (C>G on the coding strand, the complement: RPGR is on the minus strand). VCF-style: chrX-38318929-G-C. GRCh37 (hg19) VCF-style: chrX-38178182-G-C.
Other names: c.369C>G, p.Asp123Glu (NM_000328.3, NM_001367245.1, NM_001367246.1 and 3 more transcripts); c.399C>G, p.Asp133Glu (NM_001367248.1); c.366C>G, p.Asp122Glu (NM_001367249.1); short protein forms D122E, D123E, D133E.
Identifiers: ClinVar variation 1685076 (VCV001685076.6), dbSNP rs2147280505, ClinGen allele CA412745207.